The following is an entry in ClinVar:

ClinVar aggregate classification (germline): Uncertain significance (1 of 4 stars; one submission).

Conditions:
Emery-Dreifuss muscular dystrophy 5, autosomal dominant (EDMD5). Also called: EMERY-DREIFUSS MUSCULAR DYSTROPHY 5. Identifiers: Orphanet 261, MedGen C2751805, MONDO:0013072, OMIM 612999.

Submission:

Labcorp Genetics (formerly Invitae), Labcorp
Classification: Uncertain significance for Emery-Dreifuss muscular dystrophy 5, autosomal dominant. Last evaluated: 2025-09-02. Review status: criteria provided, single submitter. Criteria: Invitae Variant Classification Sherloc (09022015). Collection method: clinical testing. Allele origin: germline.
Comment: This sequence change replaces glutamic acid, which is acidic and polar, with aspartic acid, which is acidic and polar, at codon 1014 of the SYNE2 protein (p.Glu1014Asp). This variant is not present in population databases (gnomAD no frequency). This variant has not been reported in the literature in individuals affected with SYNE2-related conditions. ClinVar contains an entry for this variant (Variation ID: 1378016). An algorithm developed to predict the effect of missense changes on protein structure and function (PolyPhen-2) suggests that this variant is likely to be disruptive. In summary, the available evidence is currently insufficient to determine the role of this variant in disease. Therefore, it has been classified as a Variant of Uncertain Significance.

NM_182914.3(SYNE2):c.3042A>T (p.Glu1014Asp)

Gene: SYNE2 (spectrin repeat containing nuclear envelope protein 2; plus strand). Cytogenetic location: 14q23.2.
Variant type: single nucleotide variant.
Coding change: c.3042A>T on transcript NM_182914.3 (MANE Select); coding-DNA position 3042, A replaced by T.
Protein change: p.Glu1014Asp; replaces glutamic acid 1014 with aspartic acid.
Molecular consequence: missense variant.
Genome position (GRCh38, 1-based): chr14:63,997,048, A>T. VCF-style: chr14-63997048-A-T. GRCh37 (hg19) VCF-style: chr14-64463766-A-T.
Other names: c.3042A>T, p.Glu1014Asp (NM_015180.6); short protein forms E1014D.
Identifiers: ClinVar variation 1378016 (VCV001378016.6), dbSNP rs750783509, ClinGen allele CA389987731.
Genomic context (GRCh38, chr14:63,997,048, plus strand): 5'-CCACATGGAAGTCCTGAGGGAGCTGTGTGAAGAGCTGCCTTCACAGAAGAGTCAACAAGA[A>T]GTGAAGAGACTACTCAAAGATTATGAACAAAAGATAGAAAGACTTCTGAAATGTGCTTCC-3'
Protein context (NP_878918.2, residues 1004-1024): EELPSQKSQQ[Glu1014Asp]VKRLLKDYEQ